The following is an entry in ClinVar:

ClinVar aggregate classification (germline): Conflicting classifications of pathogenicity. Review status: criteria provided, conflicting classifications (1 of 4 stars). 3 submissions from 3 submitters: Uncertain significance (2); Likely benign (1). Last evaluated 2025-08-11.

Conditions:
Nephrolithiasis/nephrocalcinosis. Identifiers: MedGen CN580796.
Familial hypocalciuric hypercalcemia (FHH). Also called: Familial benign hypercalcemia. Identifiers: Orphanet 405, MedGen C1809471, MONDO:0018458.
Autosomal dominant hypocalcemia 1 (HYPOC1). Also called: HYPOCALCEMIA, FAMILIAL. Identifiers: MedGen C3715128, MONDO:0011013, OMIM 601198.

Allele frequency attached by ClinVar (database versions not stated): TOPMed below 0.00001; gnomAD 0.00001.
gnomAD v4.1: 40 of 1,614,098 alleles (0.0025%); highest among the groups gnomAD compares: Non-Finnish European, 0.0032%; no homozygotes.

Submissions (3):

Labcorp Genetics (formerly Invitae), Labcorp
Classification: Likely benign for Familial hypocalciuric hypercalcemia; Autosomal dominant hypocalcemia 1. Last evaluated: 2025-08-11. Review status: criteria provided, single submitter. Criteria: Invitae Variant Classification Sherloc (09022015). Collection method: clinical testing. Allele origin: germline.

Ambry Genetics
Classification: Uncertain significance for Nephrolithiasis/nephrocalcinosis. Last evaluated: 2023-06-22. Review status: criteria provided, single submitter. Criteria: Ambry Variant Classification Scheme 2023. Collection method: clinical testing. Allele origin: germline.
Comment: The p.D121E variant (also known as c.363T>A), located in coding exon 2 of the CASR gene, results from a T to A substitution at nucleotide position 363. The aspartic acid at codon 121 is replaced by glutamic acid, an amino acid with highly similar properties. This amino acid position is highly conserved in available vertebrate species. In addition, the in silico prediction for this alteration is inconclusive. Since supporting evidence is limited at this time, the clinical significance of this alteration remains unclear.

GeneDx
Classification: Uncertain significance. Last evaluated: 2017-04-24. Review status: criteria provided, single submitter. Criteria: GeneDx Variant Classification (06012015). Collection method: clinical testing. Allele origin: germline. Affected: yes.
Comment: The D121E variant in the CASR gene has not been reported previously as a pathogenic variant, nor as a benign variant, to our knowledge. This variant is not observed in large population cohorts (Lek et al., 2016; 1000 Genomes Consortium et al., 2015; Exome Variant Server). The D121E variant is a conservative amino acid substitution, which is not likely to impact secondary protein structure as these residues share similar properties. This substitution occurs at a position that is conserved across species. In silico analysis is inconsistent in its predictions as to whether or not the variant is damaging to the protein structure/function. We interpret D121E as a variant of uncertain significance.

NM_000388.4(CASR):c.363T>A (p.Asp121Glu)

Gene: CASR (calcium sensing receptor; plus strand). Cytogenetic location: 3q21.1.
Variant type: single nucleotide variant.
Coding change: c.363T>A on transcript NM_000388.4 (MANE Select); coding-DNA position 363, T replaced by A.
Protein change: p.Asp121Glu; replaces aspartic acid 121 with glutamic acid.
Molecular consequence: missense variant.
Genome position (GRCh38, 1-based): chr3:122,257,258, T>A. VCF-style: chr3-122257258-T-A. GRCh37 (hg19) VCF-style: chr3-121976105-T-A.
Other names: c.363T>A, p.Asp121Glu (NM_001178065.2); short protein forms D121E.
Identifiers: ClinVar variation 426266 (VCV000426266.14), dbSNP rs201923228, ClinGen allele CA82610017.